The following is an entry in ClinVar:

ClinVar aggregate classification (germline): Benign/Likely benign. Review status: criteria provided, multiple submitters, no conflicts (2 of 4 stars). 3 submissions from 3 submitters: Benign (1); Likely benign (2). Last evaluated 2025-10-27.

Conditions:
Familial cancer of breast. Also called: BREAST CANCER, FAMILIAL; Hereditary breast cancer; hereditary breast carcinoma. Identifiers: Orphanet 227535, MedGen C0346153, MONDO:0016419, OMIM 114480. Disease mechanism: loss of function.
Hereditary cancer-predisposing syndrome. Also called: Tumor predisposition; Hereditary Cancer Syndrome; Neoplastic Syndromes, Hereditary; Hereditary neoplastic syndrome. Identifiers: Orphanet 140162, MedGen C0027672, MeSH D009386, MONDO:0015356.

Submissions (3):

Ambry Genetics
Classification: Likely benign for Hereditary cancer-predisposing syndrome. Last evaluated: 2025-10-27. Review status: criteria provided, single submitter. Criteria: Ambry Variant Classification Scheme 2023. Collection method: clinical testing. Allele origin: germline.

Myriad Genetics, Inc.
Classification: Benign for Familial cancer of breast. Last evaluated: 2024-07-18. Review status: criteria provided, single submitter. Criteria: Myriad Autosomal Dominant, Autosomal Recessive and X-Linked Classification Criteria (2023). Collection method: clinical testing. Allele origin: unknown.
Comment: This variant is considered benign. This variant is a silent/synonymous amino acid change and it is not expected to impact splicing.

Labcorp Genetics (formerly Invitae), Labcorp
Classification: Likely benign for Familial cancer of breast. Last evaluated: 2022-07-03. Review status: criteria provided, single submitter. Criteria: Invitae Variant Classification Sherloc (09022015). Collection method: clinical testing. Allele origin: germline.

NM_000465.4(BARD1):c.93C>A (p.Arg31=)

Gene: BARD1 (BRCA1 associated RING domain 1; minus strand). Cytogenetic location: 2q35.
Variant type: single nucleotide variant.
Coding change: c.93C>A on transcript NM_000465.4 (MANE Select); coding-DNA position 93, C replaced by A.
Protein change: p.Arg31=; no amino-acid change (arginine 31 retained).
Molecular consequence: synonymous variant. On other transcripts: non-coding transcript variant (3).
Genome position (GRCh38, 1-based): chr2:214,809,477, G>T on the plus strand (C>A on the coding strand, the complement: BARD1 is on the minus strand). VCF-style: chr2-214809477-G-T. GRCh37 (hg19) VCF-style: chr2-215674201-G-T.
Other names: c.93C>A (NM_000465.2); c.93C>A, p.Arg31= (NM_001282543.2, NM_001282545.2, NM_001282548.2 and 1 more transcripts).
Identifiers: ClinVar variation 1112595 (VCV001112595.12), dbSNP rs778803692, ClinGen allele CA350465070.